The following is an entry in ClinVar:

NM_000059.4(BRCA2):c.7007+2657C>T

Gene: BRCA2 (BRCA2 DNA repair associated; plus strand). Cytogenetic location: 13q13.1.
Variant type: single nucleotide variant.
Coding change: c.7007+2657C>T on transcript NM_000059.4 (MANE Select); 2657 bases into the intron after coding-DNA position 7007, C replaced by T.
Molecular consequence: intron variant.
Genome position (GRCh38, 1-based): chr13:32,349,553, C>T. VCF-style: chr13-32349553-C-T. GRCh37 (hg19) VCF-style: chr13-32923690-C-T.
Other names: IVS 13+2657C>T.
Identifiers: ClinVar variation 209733 (VCV000209733.1), dbSNP rs4942448, ClinGen allele CA276701.

ClinVar aggregate classification (germline): Benign (3 of 4 stars; one submission).

Conditions:
Breast-ovarian cancer, familial, susceptibility to, 2 (BROVCA2). Also called: BRCA2 Hereditary Breast and Ovarian Cancer. Identifiers: Orphanet 145, MedGen C2675520, MONDO:0012933, OMIM 612555. Disease mechanism: loss of function.

Allele frequency attached by ClinVar (database versions not stated): 1000 Genomes Project 0.18331; 1000 Genomes Project 30x 0.18473; gnomAD 0.20353 and 0.20825; TOPMed 0.20433.
gnomAD v4.1: 30,887 of 151,842 alleles (20%); highest among the groups gnomAD compares: African/African-American, 24%; 3,334 homozygotes.

Submission:

Evidence-based Network for the Interpretation of Germline Mutant Alleles (ENIGMA)
Classification: Benign for Breast-ovarian cancer, familial 2. Last evaluated: 2015-01-12. Review status: reviewed by expert panel. Criteria: ENIGMA BRCA1/2 Classification Criteria (2015). Collection method: curation. Allele origin: germline.
Comment: Class 1 not pathogenic based on frequency >1% in an outbred sampleset. Frequency 0.06294 (Asian), 0.3028 (African), 0.2018 (European), derived from 1000 genomes (2012-04-30).